The following is an entry in ClinVar:

ClinVar aggregate classification (germline): Likely pathogenic (1 of 4 stars; one submission).

Conditions:
CHARGE syndrome (CHARGE). Also called: Hittner Hirsch Kreh syndrome; CHARGE ASSOCIATION--COLOBOMA, HEART ANOMALY, CHOANAL ATRESIA, RETARDATION, GENITAL AND EAR ANOMALIES; Coloboma, heart anomaly, choanal atresia, retardation, genital and ear anomalies; CHARGE association; Hall-Hittner syndrome. Identifiers: Orphanet 138, MedGen C0265354, MONDO:0008965.

Submission:

3billion
Classification: Likely pathogenic for CHD7-related CHARGE syndrome. Last evaluated: 2023-02-23. Review status: criteria provided, single submitter. Criteria: ACMG Guidelines, 2015. Collection method: clinical testing. Allele origin: unknown. Affected: yes.
Comment: The variant is not observed in the gnomAD v2.1.1 dataset. This variant was predicted to result in a loss or disruption of normal protein function through nonsense-mediated decay (NMD) or protein truncation. Multiple pathogenic variants are reported downstream of the variant. Therefore, this variant is classified as Likely pathogenic according to the recommendation of ACMG/AMP guideline.

NM_017780.4(CHD7):c.5955del (p.Phe1985fs)

Gene: CHD7 (chromodomain helicase DNA binding protein 7; plus strand). Cytogenetic location: 8q12.2.
Variant type: Deletion.
Coding change: c.5955del on transcript NM_017780.4 (MANE Select); coding-DNA position 5955, one base deleted (T; older notation c.5955delT).
Protein change: p.Phe1985fs; shifts the reading frame from phenylalanine 1985.
Molecular consequence: frameshift variant. On other transcripts: intron variant (1).
Genome position (GRCh38, 1-based): chr8:60,852,558, T deleted; the last of 5 consecutive T bases (chr8:60,852,554-60,852,558); deleting any one gives the same sequence. VCF-style (leftmost placement, unchanged base first): chr8-60852553-AT-A. GRCh37 (hg19) VCF-style: chr8-61765112-AT-A.
Other names: c.1717-9671del (NM_001316690.1); short protein forms F1985fs.
Identifiers: ClinVar variation 2444223 (VCV002444223.1), dbSNP rs2488035644, ClinGen allele CA2580078847.